The following is an entry in ClinVar:

ClinVar aggregate classification (germline): Uncertain significance. Review status: criteria provided, multiple submitters, no conflicts (2 of 4 stars). 2 submissions from 2 submitters: Uncertain significance (2). Last evaluated 2026-06-16.

Conditions:
Inborn genetic diseases. Identifiers: MedGen C0950123, MeSH D030342.
EP300-related disorder. Also called: EP300-related condition; EP300-related disorders.

Submissions (2):

PreventionGenetics, part of Exact Sciences
Classification: Uncertain significance for EP300-related condition. Last evaluated: 2026-06-16. Review status: criteria provided, single submitter. Criteria: ACMG Guidelines, 2015. Collection method: clinical testing. Allele origin: germline.
Comment: The EP300 c.2318A>G variant is predicted to result in the amino acid substitution p.Gln773Arg. To our knowledge, this variant has not been reported in the literature or in a large population database (gnomAD), indicating this variant is rare. At this time, the clinical significance of this variant is uncertain due to the absence of conclusive functional and genetic evidence.

Ambry Genetics
Classification: Uncertain significance for Inborn genetic diseases. Last evaluated: 2023-10-02. Review status: criteria provided, single submitter. Criteria: Ambry Variant Classification Scheme 2023. Collection method: clinical testing. Allele origin: germline.

NM_001429.4(EP300):c.2318A>G (p.Gln773Arg)

Gene: EP300 (EP300 lysine acetyltransferase; plus strand). Cytogenetic location: 22q13.2.
Variant type: single nucleotide variant.
Coding change: c.2318A>G on transcript NM_001429.4 (MANE Select); coding-DNA position 2318, A replaced by G.
Protein change: p.Gln773Arg; replaces glutamine 773 with arginine.
Molecular consequence: missense variant.
Genome position (GRCh38, 1-based): chr22:41,149,114, A>G. VCF-style: chr22-41149114-A-G. GRCh37 (hg19) VCF-style: chr22-41545118-A-G.
Other names: c.2240A>G, p.Gln747Arg (NM_001362843.2); short protein forms Q773R, Q747R.
Identifiers: ClinVar variation 3089279 (VCV003089279.2), dbSNP rs1439889516, ClinGen allele CA411690774.